The following is an entry in ClinVar:

ClinVar aggregate classification (germline): Uncertain significance (1 of 4 stars; one submission).

Allele frequency attached by ClinVar (database versions not stated): gnomAD 0.00001.
gnomAD v4.1: 1 of 1,613,704 alleles (0.000062%); highest among the groups gnomAD compares: Non-Finnish European, 0.000085%; no homozygotes.

Submission:

Ambry Genetics
Classification: Uncertain significance. Last evaluated: 2021-09-20. Review status: criteria provided, single submitter. Criteria: Ambry Variant Classification Scheme 2023. Collection method: clinical testing. Allele origin: germline.
Comment: The p.E2493K variant (also known as c.7477G>A), located in coding exon 28 of the POLQ gene, results from a G to A substitution at nucleotide position 7477. The glutamic acid at codon 2493 is replaced by lysine, an amino acid with similar properties. This amino acid position is conserved. In addition, the in silico prediction for this alteration is inconclusive. Since supporting evidence is limited at this time, the clinical significance of this alteration remains unclear.

NM_199420.4(POLQ):c.7477G>A (p.Glu2493Lys)

Gene: POLQ (DNA polymerase theta; minus strand). Cytogenetic location: 3q13.33.
Variant type: single nucleotide variant.
Coding change: c.7477G>A on transcript NM_199420.4 (MANE Select); coding-DNA position 7477, G replaced by A.
Protein change: p.Glu2493Lys; replaces glutamic acid 2493 with lysine.
Molecular consequence: missense variant.
Genome position (GRCh38, 1-based): chr3:121,436,188, C>T on the plus strand (G>A on the coding strand, the complement: POLQ is on the minus strand). VCF-style: chr3-121436188-C-T. GRCh37 (hg19) VCF-style: chr3-121155035-C-T.
Other names: short protein forms E2493K.
Identifiers: ClinVar variation 1759076 (VCV001759076.2), dbSNP rs1406261310, ClinGen allele CA354095859.